The following is an entry in ClinVar:

ClinVar aggregate classification (germline): Conflicting classifications of pathogenicity. Review status: criteria provided, conflicting classifications (1 of 4 stars). 5 submissions from 5 submitters: Uncertain significance (1); Likely benign (4). Last evaluated 2025-12-16.

Conditions:
Cardiomyopathy (CMYO). Also called: Cardiomyopathies. Identifiers: Orphanet 167848, MedGen C0878544, MONDO:0004994, HP:0001638. Inheritance: Various modes of inheritance.
Hypertrophic cardiomyopathy. Also called: HYPERTROPHIC MYOCARDIOPATHY. Identifiers: Orphanet 217569, MedGen C0007194, MeSH D002312, MONDO:0005045, HP:0001639.

Allele frequency attached by ClinVar (database versions not stated): gnomAD exomes below 0.00001 and 0.00001; ExAC 0.00002; gnomAD 0.00002; TOPMed 0.00002.
gnomAD v4.1: 10 of 1,614,016 alleles (0.00062%); highest among the groups gnomAD compares: East Asian, 0.013%; no homozygotes.

Submissions (5):

Labcorp Genetics (formerly Invitae), Labcorp
Classification: Likely benign for Hypertrophic cardiomyopathy. Last evaluated: 2025-12-16. Review status: criteria provided, single submitter. Criteria: Invitae Variant Classification Sherloc (09022015). Collection method: clinical testing. Allele origin: germline.

Women's Health and Genetics/Laboratory Corporation of America, LabCorp
Classification: Likely benign. Last evaluated: 2025-04-28. Review status: criteria provided, single submitter. Criteria: LabCorp Variant Classification Summary - May 2015. Collection method: clinical testing. Allele origin: germline.
Comment: Variant summary: MYH7 c.3854-5C>T alters a non-conserved nucleotide located at a position not widely known to affect splicing. Consensus agreement among computation tools predict no significant impact on normal splicing. However, these predictions have yet to be confirmed by functional studies. The variant allele was found at a frequency of 1.2e-05 in 251484 control chromosomes. The available data on variant occurrences in the general population are insufficient to allow any conclusion about variant significance. c.3854-5C>T has been observed in one pediatric cardiomyopathy patient with diastolic dysfunction, without strong evidence for causality (Quan_2019). This report does not provide unequivocal conclusions about association of the variant with Cardiomyopathy. To our knowledge, no experimental evidence demonstrating an impact on protein function has been reported. The following publication has been ascertained in the context of this evaluation (PMID: 31064352). ClinVar contains an entry for this variant (Variation ID: 764010). Based on the evidence outlined above, the variant was classified as likely benign.

All of Us Research Program, National Institutes of Health
Classification: Likely benign for Cardiomyopathy. Last evaluated: 2024-07-29. Review status: criteria provided, single submitter. Criteria: ACMG Guidelines, 2015. Collection method: clinical testing. Allele origin: germline. Inheritance: Autosomal dominant inheritance. Observed: 1 variant allele, 1 heterozygote.
Comment: This study involves interpretation of variants in research participants for the purpose of population health screening. Participant phenotype was not available at the time of variant classification. Additional details can be found in publication PMID: 35346344, PMCID: PMC8962531

CHEO Genetics Diagnostic Laboratory, Children's Hospital of Eastern Ontario
Classification: Uncertain significance for Cardiomyopathy. Last evaluated: 2022-07-06. Review status: criteria provided, single submitter. Criteria: ACMG Guidelines, 2015. Collection method: clinical testing. Allele origin: germline.

Color Diagnostics, LLC DBA Color Health
Classification: Likely benign for Cardiomyopathy. Last evaluated: 2019-04-08. Review status: criteria provided, single submitter. Criteria: ACMG Guidelines, 2015. Collection method: clinical testing. Allele origin: germline.

Literature cited by the submitters: PubMed 31064352 (cited by Women's Health and Genetics/Laboratory Corporation of America, LabCorp).

NM_000257.4(MYH7):c.3854-5C>T

Gene: MYH7 (myosin heavy chain 7; minus strand). Cytogenetic location: 14q11.2.
Variant type: single nucleotide variant.
Coding change: c.3854-5C>T on transcript NM_000257.4 (MANE Select); 5 bases into the intron before coding-DNA position 3854, C replaced by T.
Molecular consequence: intron variant.
Genome position (GRCh38, 1-based): chr14:23,419,300, G>A on the plus strand (C>T on the coding strand, the complement: MYH7 is on the minus strand). VCF-style: chr14-23419300-G-A. GRCh37 (hg19) VCF-style: chr14-23888509-G-A.
Other names: c.3854-5C>T (NM_000257.2).
Identifiers: ClinVar variation 764010 (VCV000764010.17), dbSNP rs752385694, ClinGen allele CA039340.